The following is an entry in ClinVar:

ClinVar aggregate classification (germline): Uncertain significance (1 of 4 stars; one submission).

Allele frequency attached by ClinVar (database versions not stated): gnomAD 0.00001; TOPMed 0.00001; ExAC 0.00003; 1000 Genomes Project 30x 0.00016; 1000 Genomes Project 0.00020.
gnomAD v4.1: 18 of 1,613,602 alleles (0.0011%); highest among the groups gnomAD compares: East Asian, 0.013%; no homozygotes.

Submission:

Labcorp Genetics (formerly Invitae), Labcorp
Classification: Uncertain significance. Last evaluated: 2023-09-11. Review status: criteria provided, single submitter. Criteria: Invitae Variant Classification Sherloc (09022015). Collection method: clinical testing. Allele origin: germline.
Comment: This sequence change replaces glutamic acid, which is acidic and polar, with lysine, which is basic and polar, at codon 264 of the CERKL protein (p.Glu264Lys). This variant is present in population databases (rs532973636, gnomAD 0.02%). This variant has not been reported in the literature in individuals affected with CERKL-related conditions. ClinVar contains an entry for this variant (Variation ID: 2143341). Advanced modeling of protein sequence and biophysical properties (such as structural, functional, and spatial information, amino acid conservation, physicochemical variation, residue mobility, and thermodynamic stability) performed at Invitae indicates that this missense variant is expected to disrupt CERKL protein function. In summary, the available evidence is currently insufficient to determine the role of this variant in disease. Therefore, it has been classified as a Variant of Uncertain Significance.

NM_201548.5(CERKL):c.712G>A (p.Glu238Lys)

Gene: CERKL (CERK like autophagy regulator; minus strand). Cytogenetic location: 2q31.3.
Variant type: single nucleotide variant.
Coding change: c.712G>A on transcript NM_201548.5 (MANE Select); coding-DNA position 712, G replaced by A.
Protein change: p.Glu238Lys; replaces glutamic acid 238 with lysine.
Molecular consequence: missense variant. On other transcripts: synonymous variant (2), non-coding transcript variant (2), intron variant (2).
Genome position (GRCh38, 1-based): chr2:181,558,674, C>T on the plus strand (G>A on the coding strand, the complement: CERKL is on the minus strand). VCF-style: chr2-181558674-C-T. GRCh37 (hg19) VCF-style: chr2-182423401-C-T.
Other names: c.790G>A, p.Glu264Lys (NM_001030311.3); c.516G>A, p.Ala172= (NM_001030314.1); c.648G>A, p.Ala216= (NM_001030315.1); c.658G>A, p.Glu220Lys (NM_001160277.2); c.482-8966G>A (NM_001030312.3); c.614-8966G>A (NM_001030313.3); short protein forms E238K, E264K, E220K.
Identifiers: ClinVar variation 2143341 (VCV002143341.2), dbSNP rs532973636, ClinGen allele CA2010677.